The following is an entry in ClinVar:

ClinVar aggregate classification (germline): Uncertain significance (0 of 4 stars; one submission).

Conditions:
MAGEL2-related disorder. Also called: MAGEL2-related condition.

Submission:

PreventionGenetics, part of Exact Sciences
Classification: Uncertain significance for MAGEL2-related condition. Last evaluated: 2024-06-04. Review status: no assertion criteria provided. Collection method: clinical testing. Allele origin: germline.
Comment: The MAGEL2 c.1110_1130del21 variant is predicted to result in an in-frame deletion (p.Ser372_Thr378del). To our knowledge, this variant has not been reported in the literature or in a large population database, indicating this variant is rare. This variant is interpreted as no interpretation set.

NM_019066.5(MAGEL2):c.1110_1130del (p.Ser372_Thr378del)

Gene: MAGEL2 (MAGE family member L2; minus strand). Cytogenetic location: 15q11.2.
Variant type: Deletion.
Coding change: c.1110_1130del on transcript NM_019066.5 (MANE Select); coding-DNA positions 1110 to 1130, 21 bases deleted (GACCTCGCCAGGATGGCAGGC).
Protein change: p.Ser372_Thr378del.
Molecular consequence: inframe deletion.
Genome position (GRCh38, 1-based): chr15:23,646,613-23,646,633, GCCTGCCATCCTGGCGAGGTC deleted on the plus strand (GACCTCGCCAGGATGGCAGGC on the coding strand, the reverse complement: MAGEL2 is on the minus strand); deleting any 21 consecutive bases within chr15:23,646,613-23,646,641 gives the same sequence; the c. name uses the placement nearest the transcript's 3' end. VCF-style (leftmost placement, unchanged base first): chr15-23646612-GGCCTGCCATCCTGGCGAGGTC-G. GRCh37 (hg19) VCF-style: chr15-23891759-GGCCTGCCATCCTGGCGAGGTC-G.
Identifiers: ClinVar variation 3344511 (VCV003344511.1).